The following is an entry in ClinVar:

NM_000479.5(AMH):c.555+1G>T

Gene: AMH (anti-Mullerian hormone; plus strand). Cytogenetic location: 19p13.3.
Variant type: single nucleotide variant.
Coding change: c.555+1G>T on transcript NM_000479.5 (MANE Select); the canonical splice donor site of the intron after coding-DNA position 555, G replaced by T.
Molecular consequence: splice donor variant.
Genome position (GRCh38, 1-based): chr19:2,250,480, G>T. VCF-style: chr19-2250480-G-T. GRCh37 (hg19) VCF-style: chr19-2250479-G-T.
Identifiers: ClinVar variation 2169606 (VCV002169606.4), dbSNP rs774430982, ClinGen allele CA9062893.

ClinVar aggregate classification (germline): Pathogenic (1 of 4 stars; one submission).

Allele frequency attached by ClinVar (database versions not stated): TOPMed 0.00004; gnomAD 0.00005.

Submission:

Labcorp Genetics (formerly Invitae), Labcorp
Classification: Pathogenic. Last evaluated: 2022-03-19. Review status: criteria provided, single submitter. Criteria: Invitae Variant Classification Sherloc (09022015). Collection method: clinical testing. Allele origin: germline.
Comment: For these reasons, this variant has been classified as Pathogenic. Algorithms developed to predict the effect of sequence changes on RNA splicing suggest that this variant may disrupt the consensus splice site. Experimental studies have shown that disruption of this splice site affects AMH function (PMID: 28505284). Algorithms developed to predict the effect of variants on protein structure and function are not available or were not evaluated for this variant. Disruption of this splice site has been observed in individuals with persistent Müllerian duct syndrome (PMID: 28528332; Invitae). This variant is present in population databases (rs774430982, gnomAD 0.008%). This sequence change affects a donor splice site in intron 2 of the AMH gene. It is expected to disrupt RNA splicing. Variants that disrupt the donor or acceptor splice site typically lead to a loss of protein function (PMID: 16199547), and loss-of-function variants in AMH are known to be pathogenic (PMID: 1483695, 8162013, 8872466, 22797409).

Literature cited by the submitters: PubMed 28505284; PubMed 28528332; PubMed 16199547; PubMed 1483695; PubMed 8162013; PubMed 8872466; PubMed 22797409.